The following is an entry in ClinVar:

NM_001199107.2(TBC1D24):c.984-5C>G

Gene: TBC1D24 (TBC1 domain family member 24; plus strand). Cytogenetic location: 16p13.3.
Variant type: single nucleotide variant.
Coding change: c.984-5C>G on transcript NM_001199107.2 (MANE Select); 5 bases into the intron before coding-DNA position 984, C replaced by G.
Molecular consequence: intron variant.
Genome position (GRCh38, 1-based): chr16:2,498,233, C>G. VCF-style: chr16-2498233-C-G. GRCh37 (hg19) VCF-style: chr16-2548234-C-G.
Other names: c.966-5C>G (NM_020705.3).
Identifiers: ClinVar variation 386171 (VCV000386171.4), dbSNP rs535021783, ClinGen allele CA7844129.

ClinVar aggregate classification (germline): Likely benign. Review status: criteria provided, multiple submitters, no conflicts (2 of 4 stars). 2 submissions from 2 submitters: Likely benign (2). Last evaluated 2024-01-22.

Conditions:
Developmental and epileptic encephalopathy, 1 (DEE1). Also called: X-linked infantile spasms; West's syndrome; Tonic spasms with clustering, arrest of psychomotor development and hypsarrhythmia on EEG; X-Linked Infantile Spasm Syndrome; OHTAHARA SYNDROME, X-LINKED; INFANTILE SPASM SYNDROME, X-LINKED 1. Identifiers: MedGen C3463992, MONDO:0010632, OMIM 308350. Disease mechanism: loss of function.
Autosomal dominant nonsyndromic hearing loss 65. Also called: TBC1D24-Related Autosomal Dominant Nonsyndromic Hearing Loss (DFNA); Deafness, autosomal dominant 65. Identifiers: Orphanet 90635, MedGen C3892048, MONDO:0014470, OMIM 616044.

Allele frequency attached by ClinVar (database versions not stated): gnomAD exomes below 0.00001; 1000 Genomes Project 0.00020; gnomAD 0.00003; TOPMed below 0.00001; 1000 Genomes Project 30x 0.00016; ExAC 0.00002.

Submissions (2):

Labcorp Genetics (formerly Invitae), Labcorp
Classification: Likely benign for Developmental and epileptic encephalopathy, 1; Autosomal dominant nonsyndromic hearing loss 65. Last evaluated: 2024-01-22. Review status: criteria provided, single submitter. Criteria: Invitae Variant Classification Sherloc (09022015). Collection method: clinical testing. Allele origin: germline.

GeneDx
Classification: Likely benign. Last evaluated: 2016-05-19. Review status: criteria provided, single submitter. Criteria: GeneDx Variant Classification (06012015). Collection method: clinical testing. Allele origin: germline. Affected: yes.
Comment: This variant is considered likely benign or benign based on one or more of the following criteria: it is a conservative change, it occurs at a poorly conserved position in the protein, it is predicted to be benign by multiple in silico algorithms, and/or has population frequency not consistent with disease.